The following is an entry in ClinVar:

NM_001122955.4(BSCL2):c.1031C>A (p.Ser344Tyr)

Genes: BSCL2 (BSCL2 lipid droplet biogenesis associated, seipin; minus strand), HNRNPUL2-BSCL2 (HNRNPUL2-BSCL2 readthrough (NMD candidate); minus strand). Cytogenetic location: 11q12.3.
Variant type: single nucleotide variant.
Coding change: c.1031C>A on transcript NM_001122955.4 (MANE Select); coding-DNA position 1031, C replaced by A.
Protein change: p.Ser344Tyr; replaces serine 344 with tyrosine.
Molecular consequence: missense variant. On other transcripts: non-coding transcript variant (1).
Genome position (GRCh38, 1-based): chr11:62,691,116, G>T on the plus strand (C>A on the coding strand, the complement: BSCL2 is on the minus strand). VCF-style: chr11-62691116-G-T. GRCh37 (hg19) VCF-style: chr11-62458588-G-T.
Other names: c.697C>A, p.Pro233Thr (NM_001130702.2); c.1031C>A, p.Ser344Tyr (NM_001386027.1, NM_001386028.1); c.839C>A, p.Ser280Tyr (NM_032667.6); short protein forms P233T, S344Y, S280Y.
Identifiers: ClinVar variation 4738095 (VCV004738095.1).
Genomic context (GRCh38, chr11:62,691,116, plus strand): 5'-CCCCAGCCAACACCTTTACCTGGCTGATGAGCAGAGATCCTTCGTTGGACTTCCTTCCGG[G>T]AATTGTCTCTTTTTCGGATGTTAACCTGTGGAGGAAAAACTACTGAGCAGCCAGGACTGA-3'
Protein context (NP_001116427.1, residues 334-354): LQVNIRKRDN[Ser344Tyr]RKEVQRRISA

ClinVar aggregate classification (germline): Uncertain significance (1 of 4 stars; one submission).

Conditions:
Charcot-Marie-Tooth disease type 2. Also called: Charcot-Marie-Tooth type 2. Identifiers: Orphanet 64746, MedGen C0270914, MONDO:0018993.

Submission:

Labcorp Genetics (formerly Invitae), Labcorp
Classification: Uncertain significance for Charcot-Marie-Tooth disease type 2. Last evaluated: 2025-11-05. Review status: criteria provided, single submitter. Criteria: Invitae Variant Classification Sherloc (09022015). Collection method: clinical testing. Allele origin: germline.
Comment: This sequence change replaces serine, which is neutral and polar, with tyrosine, which is neutral and polar, at codon 280 of the BSCL2 protein (p.Ser280Tyr). This variant is not present in population databases (gnomAD no frequency). This variant has not been reported in the literature in individuals affected with BSCL2-related conditions. Invitae Evidence Modeling of protein sequence and biophysical properties (such as structural, functional, and spatial information, amino acid conservation, physicochemical variation, residue mobility, and thermodynamic stability) indicates that this missense variant is not expected to disrupt BSCL2 protein function with a negative predictive value of 80%. In summary, the available evidence is currently insufficient to determine the role of this variant in disease. Therefore, it has been classified as a Variant of Uncertain Significance.